The following is an entry in ClinVar:

ClinVar aggregate classification (germline): Benign. Review status: criteria provided, multiple submitters, no conflicts (2 of 4 stars). 3 submissions from 3 submitters: Benign (2). 1 of the submissions does not count toward it. Last evaluated 2025-12-19.

Conditions:
PDYN-related disorder. Also called: PDYN-related condition.

Allele frequency attached by ClinVar (database versions not stated): gnomAD exomes 0.00029; ExAC 0.00034; 1000 Genomes Project 30x 0.00109; TOPMed 0.00118; 1000 Genomes Project 0.00120; ESP Exome Variant Server 0.00169.
gnomAD v4.1: 306 of 1,614,084 alleles (0.019%); highest among the groups gnomAD compares: African/African-American, 0.37%; no homozygotes.

Submissions (3):

Labcorp Genetics (formerly Invitae), Labcorp
Classification: Benign. Last evaluated: 2025-12-19. Review status: criteria provided, single submitter. Criteria: Invitae Variant Classification Sherloc (09022015). Collection method: clinical testing. Allele origin: germline.

Athena Diagnostics
Classification: Benign. Last evaluated: 2025-06-12. Review status: criteria provided, single submitter. Criteria: Athena Diagnostics Criteria. Collection method: clinical testing. Allele origin: unknown.
Comment: The frequency of this variant in the general population is higher than would generally be expected for pathogenic variants in this gene. Computational tools yielded predictions that this variant is unlikely to have an effect on normal RNA splicing. This variant has been seen where an alternate explanation for disease was also identified.

PreventionGenetics, part of Exact Sciences
Classification: Likely benign for PDYN-related condition. Last evaluated: 2019-04-05. Review status: no assertion criteria provided. Collection method: clinical testing. Allele origin: germline. Not counted in ClinVar's aggregate classification.
Comment: This variant is classified as likely benign based on ACMG/AMP sequence variant interpretation guidelines (Richards et al. 2015 PMID: 25741868, with internal and published modifications).

NM_024411.5(PDYN):c.67C>T (p.Leu23=)

Genes: PDYN (prodynorphin; minus strand), PDYN-AS1 (PDYN antisense RNA 1; plus strand). Cytogenetic location: 20p13.
Variant type: single nucleotide variant.
Coding change: c.67C>T on transcript NM_024411.5 (MANE Select); coding-DNA position 67, C replaced by T.
Protein change: p.Leu23=; no amino-acid change (leucine 23 retained).
Molecular consequence: synonymous variant.
Genome position (GRCh38, 1-based): chr20:1,983,018, G>A on the plus strand (C>T on the coding strand, the complement: PDYN is on the minus strand). VCF-style: chr20-1983018-G-A. GRCh37 (hg19) VCF-style: chr20-1963664-G-A.
Other names: c.67C>T, p.Leu23= (NM_001190892.1, NM_001190898.3, NM_001190899.2 and 1 more transcripts).
Identifiers: ClinVar variation 995194 (VCV000995194.12), dbSNP rs77727400, ClinGen allele CA9730394.